The following is an entry in ClinVar:

ClinVar aggregate classification (germline): Uncertain significance. Review status: criteria provided, multiple submitters, no conflicts (2 of 4 stars). 2 submissions from 2 submitters: Uncertain significance (2). Last evaluated 2024-07-31.

Conditions:
Immunodeficiency 51 (IMD51). Also called: CANDIDIASIS, FAMILIAL, 5. Identifiers: Orphanet 1334, MedGen C4310803, MONDO:0013500, OMIM 613953.

Allele frequency attached by ClinVar (database versions not stated): gnomAD exomes below 0.00001 and 0.00002; gnomAD 0.00001; TOPMed 0.00001.
gnomAD v4.1: 33 of 1,612,132 alleles (0.002%); highest among the groups gnomAD compares: Non-Finnish European, 0.0028%; no homozygotes.

Submissions (2):

Blueprint Genetics
Classification: Uncertain significance. Last evaluated: 2024-07-31. Review status: criteria provided, single submitter. Criteria: ACMG Guidelines, 2015. Collection method: clinical testing. Allele origin: germline.

Labcorp Genetics (formerly Invitae), Labcorp
Classification: Uncertain significance for Immunodeficiency 51. Last evaluated: 2022-11-01. Review status: criteria provided, single submitter. Criteria: Invitae Variant Classification Sherloc (09022015). Collection method: clinical testing. Allele origin: germline.
Comment: ClinVar contains an entry for this variant (Variation ID: 936327). This variant has not been reported in the literature in individuals affected with IL17RA-related conditions. This variant is present in population databases (no rsID available, gnomAD 0.0009%). This sequence change replaces aspartic acid, which is acidic and polar, with glycine, which is neutral and non-polar, at codon 722 of the IL17RA protein (p.Asp722Gly). Advanced modeling of protein sequence and biophysical properties (such as structural, functional, and spatial information, amino acid conservation, physicochemical variation, residue mobility, and thermodynamic stability) performed at Invitae indicates that this missense variant is not expected to disrupt IL17RA protein function. In summary, the available evidence is currently insufficient to determine the role of this variant in disease. Therefore, it has been classified as a Variant of Uncertain Significance.

NM_014339.7(IL17RA):c.2165A>G (p.Asp722Gly)

Gene: IL17RA (interleukin 17 receptor A; plus strand). Cytogenetic location: 22q11.1.
Variant type: single nucleotide variant.
Coding change: c.2165A>G on transcript NM_014339.7 (MANE Select); coding-DNA position 2165, A replaced by G.
Protein change: p.Asp722Gly; replaces aspartic acid 722 with glycine.
Molecular consequence: missense variant.
Genome position (GRCh38, 1-based): chr22:17,109,384, A>G. VCF-style: chr22-17109384-A-G. GRCh37 (hg19) VCF-style: chr22-17590274-A-G.
Other names: c.2063A>G, p.Asp688Gly (NM_001289905.2); short protein forms D688G, D722G.
Identifiers: ClinVar variation 936327 (VCV000936327.6), dbSNP rs1220150798, ClinGen allele CA410221066.